The following is an entry in ClinVar:

NM_001039355.3(SLC25A29):c.444T>G (p.Arg148=)

Gene: SLC25A29 (solute carrier family 25 member 29; minus strand). Cytogenetic location: 14q32.2.
Variant type: single nucleotide variant.
Coding change: c.444T>G on transcript NM_001039355.3 (MANE Select); coding-DNA position 444, T replaced by G.
Protein change: p.Arg148=; no amino-acid change (arginine 148 retained).
Molecular consequence: synonymous variant.
Genome position (GRCh38, 1-based): chr14:100,292,751, A>C on the plus strand (T>G on the coding strand, the complement: SLC25A29 is on the minus strand). VCF-style: chr14-100292751-A-C. GRCh37 (hg19) VCF-style: chr14-100759088-A-C.
Other names: c.246T>G, p.Arg82= (NM_001291813.2, NM_001291814.2, NM_001352820.2 and 3 more transcripts); c.603T>G, p.Arg201= (NM_001352821.2).
Identifiers: ClinVar variation 2644524 (VCV002644524.24), dbSNP rs145898480, ClinGen allele CA7344277.

ClinVar aggregate classification (germline): Likely benign (1 of 4 stars; one submission).

Allele frequency attached by ClinVar (database versions not stated): 1000 Genomes Project 30x 0.00031; 1000 Genomes Project 0.00040; gnomAD exomes 0.00065; ExAC 0.00081; ESP Exome Variant Server 0.00046; gnomAD 0.00048; TOPMed 0.00051.
gnomAD v4.1: 995 of 1,602,180 alleles (0.062%); highest among the groups gnomAD compares: Non-Finnish European, 0.078%; 1 homozygote.

Submission:

CeGaT Center for Human Genetics Tuebingen
Classification: Likely benign. Last evaluated: 2022-10-01. Review status: criteria provided, single submitter. Criteria: CeGaT Center For Human Genetics Tuebingen Variant Classification Criteria Version 2. Collection method: clinical testing. Allele origin: germline. Affected: yes. Observed: 1 variant allele.
Comment: SLC25A29: BP4, BP7